The following is an entry in ClinVar:

ClinVar aggregate classification (germline): Likely benign (1 of 4 stars; one submission).

Submission:

CeGaT Center for Human Genetics Tuebingen
Classification: Likely benign. Last evaluated: 2022-08-01. Review status: criteria provided, single submitter. Criteria: CeGaT Center For Human Genetics Tuebingen Variant Classification Criteria Version 2. Collection method: clinical testing. Allele origin: germline. Affected: yes. Observed: 1 variant allele.
Comment: MYH7B: PM2:Supporting, BP4, BP7

NM_020884.7(MYH7B):c.84A>C (p.Pro28=)

Gene: MYH7B (myosin heavy chain 7B; plus strand). Cytogenetic location: 20q11.22.
Variant type: single nucleotide variant.
Coding change: c.84A>C on transcript NM_020884.7 (MANE Select); coding-DNA position 84, A replaced by C.
Protein change: p.Pro28=; no amino-acid change (proline 28 retained).
Molecular consequence: synonymous variant.
Genome position (GRCh38, 1-based): chr20:34,978,089, A>C. VCF-style: chr20-34978089-A-C. GRCh37 (hg19) VCF-style: chr20-33565892-A-C.
Identifiers: ClinVar variation 2652268 (VCV002652268.24), dbSNP rs2519094416, ClinGen allele CA510290332.